The following is an entry in ClinVar:

NM_001042492.3(NF1):c.205A>T (p.Arg69Ter)

Gene: NF1 (neurofibromin 1; plus strand). Cytogenetic location: 17q11.2.
Variant type: single nucleotide variant.
Coding change: c.205A>T on transcript NM_001042492.3 (MANE Select); coding-DNA position 205, A replaced by T.
Protein change: p.Arg69Ter; replaces arginine 69 with a stop codon.
Molecular consequence: nonsense.
Genome position (GRCh38, 1-based): chr17:31,159,010, A>T. VCF-style: chr17-31159010-A-T. GRCh37 (hg19) VCF-style: chr17-29486028-A-T.
Other names: c.205A>T, p.Arg69Ter (NM_000267.4, NM_001128147.3); short protein forms R69*.
Identifiers: ClinVar variation 4775208 (VCV004775208.1).

ClinVar aggregate classification (germline): Pathogenic (1 of 4 stars; one submission).

Conditions:
Neurofibromatosis, type 1 (NF1). Also called: Neurofibromatosis, type I; VON RECKLINGHAUSEN DISEASE; NEUROFIBROMATOSIS, TYPE I, SOMATIC; Peripheral type neurofibromatosis. Identifiers: Orphanet 636, MedGen C0027831, MONDO:0018975, OMIM 162200. Disease mechanism: loss of function.

Submission:

Labcorp Genetics (formerly Invitae), Labcorp
Classification: Pathogenic for Neurofibromatosis, type 1. Last evaluated: 2025-07-20. Review status: criteria provided, single submitter. Criteria: Invitae Variant Classification Sherloc (09022015). Collection method: clinical testing. Allele origin: germline.
Comment: This sequence change creates a premature translational stop signal (p.Arg69*) in the NF1 gene. It is expected to result in an absent or disrupted protein product. Loss-of-function variants in NF1 are known to be pathogenic (PMID: 10712197, 23913538). This variant is not present in population databases (gnomAD no frequency). This variant has not been reported in the literature in individuals affected with NF1-related conditions. For these reasons, this variant has been classified as Pathogenic.

Literature cited by the submitters: PubMed 10712197; PubMed 23913538.